The following is an entry in ClinVar:

ClinVar aggregate classification (germline): Uncertain significance (1 of 4 stars; one submission).

Conditions:
Familial sleep-related hypermotor epilepsy. Also called: Autosomal Dominant Sleep-Related Hypermotor (Hyperkinetic) Epilepsy. Identifiers: Orphanet 98784, MedGen C3696898, MONDO:0000030.

Allele frequency attached by ClinVar (database versions not stated): TOPMed 0.00001; gnomAD exomes 0.00001.

Submission:

Labcorp Genetics (formerly Invitae), Labcorp
Classification: Uncertain significance. Last evaluated: 2023-12-18. Review status: criteria provided, single submitter. Criteria: Invitae Variant Classification Sherloc (09022015). Collection method: clinical testing. Allele origin: germline.
Comment: This sequence change creates a premature translational stop signal (p.Cys387*) in the CHRNB2 gene. It is expected to result in an absent or disrupted protein product. However, the current clinical and genetic evidence is not sufficient to establish whether loss-of-function variants in CHRNB2 cause disease. The frequency data for this variant in the population databases is considered unreliable, as metrics indicate poor data quality at this position in the gnomAD database. This variant has not been reported in the literature in individuals affected with CHRNB2-related conditions. This premature translational stop signal has been observed in at least one individual who was not affected with CHRNB2-related conditions (Invitae). ClinVar contains an entry for this variant (Variation ID: 577424). In summary, the available evidence is currently insufficient to determine the role of this variant in disease. Therefore, it has been classified as a Variant of Uncertain Significance.

NM_000748.3(CHRNB2):c.1161C>A (p.Cys387Ter)

Gene: CHRNB2 (cholinergic receptor nicotinic beta 2 subunit; plus strand). Cytogenetic location: 1q21.3.
Variant type: single nucleotide variant.
Coding change: c.1161C>A on transcript NM_000748.3 (MANE Select); coding-DNA position 1161, C replaced by A.
Protein change: p.Cys387Ter; replaces cysteine 387 with a stop codon.
Molecular consequence: nonsense.
Genome position (GRCh38, 1-based): chr1:154,571,984, C>A. VCF-style: chr1-154571984-C-A. GRCh37 (hg19) VCF-style: chr1-154544460-C-A.
Other names: short protein forms C387*.
Identifiers: ClinVar variation 577424 (VCV000577424.8), dbSNP rs1409415937, ClinGen allele CA342631605.
Genomic context (GRCh38, chr1:154,571,984, plus strand): 5'-GCGTGAGCGCGAGGGCGCTGGAGCCCTCTTCTTCCGCGAAGCCCCAGGGGCCGACTCCTG[C>A]ACGTGCTTCGTCAACCGCGCGTCGGTGCAGGGGTTGGCCGGGGCCTTCGGGGCTGAGCCT-3'